The following is an entry in ClinVar:

NM_017780.4(CHD7):c.4613C>G (p.Ala1538Gly)

Gene: CHD7 (chromodomain helicase DNA binding protein 7; plus strand). Cytogenetic location: 8q12.2.
Variant type: single nucleotide variant.
Coding change: c.4613C>G on transcript NM_017780.4 (MANE Select); coding-DNA position 4613, C replaced by G.
Protein change: p.Ala1538Gly; replaces alanine 1538 with glycine.
Molecular consequence: missense variant. On other transcripts: intron variant (1).
Genome position (GRCh38, 1-based): chr8:60,841,723, C>G. VCF-style: chr8-60841723-C-G. GRCh37 (hg19) VCF-style: chr8-61754282-C-G.
Other names: c.1717-20506C>G (NM_001316690.1); short protein forms A1538G.
Identifiers: ClinVar variation 2827318 (VCV002827318.3), dbSNP rs2487943427, ClinGen allele CA371318746.

ClinVar aggregate classification (germline): Uncertain significance (1 of 4 stars; one submission).

Conditions:
CHARGE syndrome (CHARGE). Also called: Hittner Hirsch Kreh syndrome; CHARGE ASSOCIATION--COLOBOMA, HEART ANOMALY, CHOANAL ATRESIA, RETARDATION, GENITAL AND EAR ANOMALIES; Coloboma, heart anomaly, choanal atresia, retardation, genital and ear anomalies; CHARGE association; Hall-Hittner syndrome. Identifiers: Orphanet 138, MedGen C0265354, MONDO:0008965.

Submission:

Labcorp Genetics (formerly Invitae), Labcorp
Classification: Uncertain significance for CHARGE syndrome. Last evaluated: 2023-01-11. Review status: criteria provided, single submitter. Criteria: Invitae Variant Classification Sherloc (09022015). Collection method: clinical testing. Allele origin: germline.
Comment: In summary, the available evidence is currently insufficient to determine the role of this variant in disease. Therefore, it has been classified as a Variant of Uncertain Significance. Advanced modeling of protein sequence and biophysical properties (such as structural, functional, and spatial information, amino acid conservation, physicochemical variation, residue mobility, and thermodynamic stability) performed at Invitae indicates that this missense variant is expected to disrupt CHD7 protein function. This variant has not been reported in the literature in individuals affected with CHD7-related conditions. This variant is not present in population databases (gnomAD no frequency). This sequence change replaces alanine, which is neutral and non-polar, with glycine, which is neutral and non-polar, at codon 1538 of the CHD7 protein (p.Ala1538Gly).